The following is an entry in ClinVar:

ClinVar aggregate classification (germline): Uncertain significance (1 of 4 stars; one submission).

Submission:

Labcorp Genetics (formerly Invitae), Labcorp
Classification: Uncertain significance. Last evaluated: 2022-06-20. Review status: criteria provided, single submitter. Criteria: Invitae Variant Classification Sherloc (09022015). Collection method: clinical testing. Allele origin: germline.
Comment: In summary, the available evidence is currently insufficient to determine the role of this variant in disease. Therefore, it has been classified as a Variant of Uncertain Significance. Variants that disrupt the consensus splice site are a relatively common cause of aberrant splicing (PMID: 17576681, 9536098). Algorithms developed to predict the effect of sequence changes on RNA splicing suggest that this variant is not likely to affect RNA splicing. This variant has not been reported in the literature in individuals affected with AP3D1-related conditions. This variant is not present in population databases (gnomAD no frequency). This sequence change falls in intron 8 of the AP3D1 gene. It does not directly change the encoded amino acid sequence of the AP3D1 protein. It affects a nucleotide within the consensus splice site.

Literature cited by the submitters: PubMed 17576681; PubMed 9536098.

NM_001261826.3(AP3D1):c.806+3G>A

Gene: AP3D1 (adaptor related protein complex 3 subunit delta 1; minus strand). Cytogenetic location: 19p13.3.
Variant type: single nucleotide variant.
Coding change: c.806+3G>A on transcript NM_001261826.3 (MANE Select); 3 bases into the intron after coding-DNA position 806, G replaced by A.
Molecular consequence: intron variant.
Genome position (GRCh38, 1-based): chr19:2,129,087, C>T on the plus strand (G>A on the coding strand, the complement: AP3D1 is on the minus strand). VCF-style: chr19-2129087-C-T. GRCh37 (hg19) VCF-style: chr19-2129086-C-T.
Other names: c.806+3G>A (NM_003938.8, NM_001374799.1).
Identifiers: ClinVar variation 1375739 (VCV001375739.6), dbSNP rs2145105865, ClinGen allele CA2573155818.